The following is an entry in ClinVar:

ClinVar aggregate classification (germline): Likely benign (1 of 4 stars; one submission).

gnomAD v4.1: 452 of 1,614,144 alleles (0.028%); highest among the groups gnomAD compares: Middle Eastern, 0.91%; 3 homozygotes.

Submission:

Mayo Clinic Laboratories, Mayo Clinic
Classification: Likely benign. Last evaluated: 2025-10-23. Review status: criteria provided, single submitter. Criteria: ACMG Guidelines, 2015. Collection method: clinical testing. Allele origin: germline. Observed: 4 variant alleles.
Comment: BP4, BP7

NM_001778.4(CD48):c.624G>C (p.Thr208=)

Gene: CD48 (CD48 molecule; minus strand). Cytogenetic location: 1q23.3.
Variant type: single nucleotide variant.
Coding change: c.624G>C on transcript NM_001778.4 (MANE Select); coding-DNA position 624, G replaced by C.
Protein change: p.Thr208=; no amino-acid change (threonine 208 retained).
Molecular consequence: synonymous variant.
Genome position (GRCh38, 1-based): chr1:160,681,230, C>G on the plus strand (G>C on the coding strand, the complement: CD48 is on the minus strand). VCF-style: chr1-160681230-C-G. GRCh37 (hg19) VCF-style: chr1-160651020-C-G.
Other names: p.Thr208=; c.624G>C, p.Thr208= (NM_001256030.2).
Identifiers: ClinVar variation 4683729 (VCV004683729.1).